The following is an entry in ClinVar:

ClinVar aggregate classification (germline): Benign/Likely benign. Review status: criteria provided, multiple submitters, no conflicts (2 of 4 stars). 6 submissions from 6 submitters: Benign (2); Likely benign (3). 1 of the submissions does not count toward it. Last evaluated 2026-01-23.

Conditions:
ABCC6-related disorder. Also called: ABCC6-related condition.
Arterial calcification, generalized, of infancy, 2. Identifiers: Orphanet 51608, MedGen C3276161, MONDO:0013768, OMIM 614473.
Autosomal recessive inherited pseudoxanthoma elasticum (PXE). Identifiers: Orphanet 758, MedGen CN032334, MONDO:0009925, OMIM 264800.
Pseudoxanthoma elasticum, forme fruste. Also called: Pseudoxanthoma Elasticum, Incomplete; PSEUDOXANTHOMA ELASTICUM, HETEROZYGOUS. Identifiers: Orphanet 758, MedGen C1867450, MONDO:0008333, OMIM 177850.

Allele frequency attached by ClinVar (database versions not stated): gnomAD exomes 0.00024; 1000 Genomes Project 0.00060; 1000 Genomes Project 30x 0.00078; gnomAD 0.00087 and 0.00094; TOPMed 0.00102; ESP Exome Variant Server 0.00108.
gnomAD v4.1: 354 of 1,614,082 alleles (0.022%); highest among the groups gnomAD compares: African/African-American, 0.31%; 2 homozygotes.

Submissions (6):

Labcorp Genetics (formerly Invitae), Labcorp
Classification: Benign. Last evaluated: 2026-01-23. Review status: criteria provided, single submitter. Criteria: Invitae Variant Classification Sherloc (09022015). Collection method: clinical testing. Allele origin: germline.

PreventionGenetics, part of Exact Sciences
Classification: Likely benign for ABCC6-related condition. Last evaluated: 2025-12-31. Review status: criteria provided, single submitter. Criteria: ACMG Guidelines, 2015. Collection method: clinical testing. Allele origin: germline.
Comment: This variant is classified as likely benign based on ACMG/AMP sequence variant interpretation guidelines (Richards et al. 2015 PMID: 25741868, with internal and published modifications).

Blueprint Genetics
Classification: Likely benign. Last evaluated: 2024-10-21. Review status: criteria provided, single submitter. Criteria: ACMG Guidelines, 2015. Collection method: clinical testing. Allele origin: germline.

Fulgent Genetics
Classification: Likely benign for Pseudoxanthoma elasticum, forme fruste; Autosomal recessive inherited pseudoxanthoma elasticum; Arterial calcification, generalized, of infancy, 2. Last evaluated: 2021-09-30. Review status: criteria provided, single submitter. Criteria: ACMG Guidelines, 2015. Collection method: clinical testing. Allele origin: unknown.

Breakthrough Genomics
Classification: Benign. Review status: criteria provided, single submitter. Criteria: ACMG Guidelines, 2015. Collection method: not provided. Allele origin: germline. Inheritance: Autosomal recessive inheritance. Affected: yes.

PXE International
Classification: Uncertain significance for Autosomal recessive inherited pseudoxanthoma elasticum. Last evaluated: 2021-02-02. Review status: no assertion criteria provided. Collection method: research. Allele origin: germline. Inheritance: Autosomal recessive inheritance. Affected: yes. Observed: 1 variant allele. Not counted in ClinVar's aggregate classification.

Literature cited by the submitters: PubMed 32873932 (cited by PXE International); PubMed 20849526 (cited by PXE International).

NM_001171.6(ABCC6):c.2659C>T (p.Arg887Cys)

Gene: ABCC6 (ATP binding cassette subfamily C member 6; minus strand). Cytogenetic location: 16p13.11.
Variant type: single nucleotide variant.
Coding change: c.2659C>T on transcript NM_001171.6 (MANE Select); coding-DNA position 2659, C replaced by T.
Protein change: p.Arg887Cys; replaces arginine 887 with cysteine.
Molecular consequence: missense variant. On other transcripts: non-coding transcript variant (1).
Genome position (GRCh38, 1-based): chr16:16,175,918, G>A on the plus strand (C>T on the coding strand, the complement: ABCC6 is on the minus strand). VCF-style: chr16-16175918-G-A. GRCh37 (hg19) VCF-style: chr16-16269775-G-A.
Other names: c.2317C>T, p.Arg773Cys (NM_001351800.1); short protein forms R887C, R773C.
Identifiers: ClinVar variation 433484 (VCV000433484.16), dbSNP rs59206042, ClinGen allele CA7925842.